The following is an entry in ClinVar:

NM_000053.4(ATP7B):c.1436del (p.Pro479fs)

Gene: ATP7B (ATPase copper transporting beta; minus strand). Cytogenetic location: 13q14.3.
Variant type: Deletion.
Coding change: c.1436del on transcript NM_000053.4 (MANE Select); coding-DNA position 1436, one base deleted (C; older notation c.1436delC).
Protein change: p.Pro479fs; shifts the reading frame from proline 479.
Molecular consequence: frameshift variant. On other transcripts: intron variant (1).
Genome position (GRCh38, 1-based): chr13:51,970,599, G deleted on the plus strand (C on the coding strand, the reverse complement: ATP7B is on the minus strand); the first of 4 consecutive G bases (chr13:51,970,599-51,970,602); deleting any one gives the same sequence. VCF-style (leftmost placement, unchanged base first): chr13-51970598-TG-T. GRCh37 (hg19) VCF-style: chr13-52544734-TG-T.
Other names: c.1436del, p.Pro479fs (NM_001005918.3, NM_001330578.2, NM_001330579.2 and 28 more transcripts); c.1103del, p.Pro368fs (NM_001243182.2); c.1340del, p.Pro447fs (NM_001406517.1, NM_001406518.1, NM_001406530.1 and 3 more transcripts); c.1007del, p.Pro336fs (NM_001406539.1); c.1285+3336del (NM_001406548.1); short protein forms P336fs, P368fs, P447fs, P479fs.
Identifiers: ClinVar variation 2679795 (VCV002679795.5), dbSNP rs2547793888, ClinGen allele CA2623118894.

ClinVar aggregate classification (germline): Pathogenic. Review status: criteria provided, multiple submitters, no conflicts (2 of 4 stars). 3 submissions from 3 submitters: Pathogenic (3). Last evaluated 2023-12-13.

Conditions:
Wilson disease (WND). Also called: Wilson's disease. Identifiers: Orphanet 905, MedGen C0019202, MONDO:0010200, OMIM 277900. Disease mechanism: loss of function.

Submissions (3):

All of Us Research Program, National Institutes of Health
Classification: Pathogenic for Wilson disease. Last evaluated: 2023-12-13. Review status: criteria provided, single submitter. Criteria: ACMG Guidelines, 2015. Collection method: clinical testing. Allele origin: germline. Inheritance: Autosomal recessive inheritance. Observed: 1 variant allele, 1 heterozygote.
Comment: This variant deletes 1 nucleotide in exon 3 of the ATP7B gene, creating a frameshift and premature translation stop signal. This variant is expected to result in an absent or non-functional protein product. This variant has been observed in an individual affected with autosomal recessive Wilson disease in unknown phase with a second pathogenic variant in ATP7B (PMID: 15024742). This variant has not been identified in the general population by the Genome Aggregation Database (gnomAD). Loss of ATP7B function is a known mechanism of disease. Based on the available evidence, this variant is classified as Pathogenic.

This study involves interpretation of variants in research participants for the purpose of population health screening. Participant phenotype was not available at the time of variant classification. Additional details can be found in publication PMID: 35346344, PMCID: PMC8962531

Labcorp Genetics (formerly Invitae), Labcorp
Classification: Pathogenic for Wilson disease. Last evaluated: 2023-09-10. Review status: criteria provided, single submitter. Criteria: Invitae Variant Classification Sherloc (09022015). Collection method: clinical testing. Allele origin: germline.
Comment: This sequence change creates a premature translational stop signal (p.Pro479Hisfs*19) in the ATP7B gene. It is expected to result in an absent or disrupted protein product. Loss-of-function variants in ATP7B are known to be pathogenic (PMID: 10441329, 16283883). This variant is not present in population databases (gnomAD no frequency). This premature translational stop signal has been observed in individual(s) with Wilson disease (PMID: 15024742). For these reasons, this variant has been classified as Pathogenic.

Baylor Genetics
Classification: Pathogenic for Wilson disease. Last evaluated: 2023-08-24. Review status: criteria provided, single submitter. Criteria: ACMG Guidelines, 2015. Collection method: clinical testing. Allele origin: unknown.

Literature cited by the submitters: PubMed 15024742 (cited by All of Us Research Program, National Institutes of Health and Labcorp Genetics (formerly Invitae), Labcorp); PubMed 10441329 (cited by Labcorp Genetics (formerly Invitae), Labcorp); PubMed 16283883 (cited by Labcorp Genetics (formerly Invitae), Labcorp).